The following is an entry in ClinVar:

ClinVar aggregate classification (germline): Benign. Review status: criteria provided, multiple submitters, no conflicts (2 of 4 stars). 3 submissions from 3 submitters: Benign (3). Last evaluated 2026-02-04.

Allele frequency attached by ClinVar (database versions not stated): 1000 Genomes Project 30x 0.05840; 1000 Genomes Project 0.05891; gnomAD 0.13616 and 0.14122; ESP Exome Variant Server 0.13740; gnomAD exomes 0.14155; ExAC 0.13963; TOPMed 0.11636.

Submissions (3):

Labcorp Genetics (formerly Invitae), Labcorp
Classification: Benign. Last evaluated: 2026-02-04. Review status: criteria provided, single submitter. Criteria: Invitae Variant Classification Sherloc (09022015). Collection method: clinical testing. Allele origin: germline.

GeneDx
Classification: Benign. Last evaluated: 2021-05-05. Review status: criteria provided, single submitter. Criteria: GeneDx Variant Classification Process June 2021. Collection method: clinical testing. Allele origin: germline. Affected: yes.
Comment: This variant is associated with the following publications: (PMID: 29632382, 27798624, 25625282)

Breakthrough Genomics
Classification: Benign. Review status: criteria provided, single submitter. Criteria: ACMG Guidelines, 2015. Collection method: not provided. Allele origin: germline. Inheritance: Unknown mechanism. Affected: yes.

NM_001384317.1(ZHX3):c.929A>G (p.Asn310Ser)

Gene: ZHX3 (zinc fingers and homeoboxes 3; minus strand). Cytogenetic location: 20q12.
Variant type: single nucleotide variant.
Coding change: c.929A>G on transcript NM_001384317.1 (MANE Select); coding-DNA position 929, A replaced by G.
Protein change: p.Asn310Ser; replaces asparagine 310 with serine.
Molecular consequence: missense variant.
Genome position (GRCh38, 1-based): chr20:41,203,988, T>C on the plus strand (A>G on the coding strand, the complement: ZHX3 is on the minus strand). VCF-style: chr20-41203988-T-C. GRCh37 (hg19) VCF-style: chr20-39832628-T-C.
Other names: c.929A>G, p.Asn310Ser (NM_001384315.1, NM_001384316.1, NM_001384318.1 and 8 more transcripts); short protein forms N310S.
Identifiers: ClinVar variation 1234898 (VCV001234898.12), dbSNP rs17265513, ClinGen allele CA9860028.